The following is an entry in ClinVar:

NM_001018005.2(TPM1):c.832C>G (p.Leu278Val)

Gene: TPM1 (tropomyosin 1; plus strand). Cytogenetic location: 15q22.2.
Variant type: single nucleotide variant.
Coding change: c.832C>G on transcript NM_001018005.2 (MANE Select); coding-DNA position 832, C replaced by G.
Protein change: p.Leu278Val; replaces leucine 278 with valine.
Molecular consequence: missense variant. On other transcripts: intron variant (12).
Genome position (GRCh38, 1-based): chr15:63,064,123, C>G. VCF-style: chr15-63064123-C-G. GRCh37 (hg19) VCF-style: chr15-63356322-C-G.
Other names: c.832C>G (NM_001018005.1); c.832C>G, p.Leu278Val (NM_000366.6, NM_001301244.2, NM_001365779.1); c.724C>G, p.Leu242Val (NM_001330346.2, NM_001365781.2, NM_001365782.1); c.898+1478C>G (NM_001365778.1); c.772+1478C>G (NM_001018020.2, NM_001018007.2, NM_001018006.2 and 3 more transcripts); c.664+1478C>G (NM_001330351.2, NM_001330344.2, NM_001018008.2 and 2 more transcripts); short protein forms L242V, L278V.
Identifiers: ClinVar variation 1285082 (VCV001285082.6), dbSNP rs730881161, ClinGen allele CA392725192.

ClinVar aggregate classification (germline): Uncertain significance. Review status: criteria provided, multiple submitters, no conflicts (2 of 4 stars). 4 submissions from 4 submitters: Uncertain significance (2). 2 of the submissions do not count toward it. Last evaluated 2025-08-18.

Conditions:
Hypertrophic cardiomyopathy. Also called: HYPERTROPHIC MYOCARDIOPATHY. Identifiers: Orphanet 217569, MedGen C0007194, MeSH D002312, MONDO:0005045, HP:0001639.
Cardiovascular phenotype. Identifiers: MedGen CN230736.

Allele frequency attached by ClinVar (database versions not stated): gnomAD exomes below 0.00001.
gnomAD v4.1: 2 of 1,614,110 alleles (0.00012%); highest among the groups gnomAD compares: South Asian, 0.0011%; no homozygotes.

Submissions (4):

Ambry Genetics
Classification: Uncertain significance for Cardiovascular phenotype. Last evaluated: 2025-08-18. Review status: criteria provided, single submitter. Criteria: Ambry Variant Classification Scheme 2023. Collection method: clinical testing. Allele origin: germline.
Comment: The p.L278V variant (also known as c.832C>G), located in coding exon 9 of the TPM1 gene, results from a C to G substitution at nucleotide position 832. The leucine at codon 278 is replaced by valine, an amino acid with highly similar properties. This variant was reported in individual(s) with features consistent with TPM1-related cardiomyopathy (Azimi A et al. ESC Heart Fail, 2024 Oct;11:3180-3190; Janin A et al. Mol Diagn Ther, 2021 May;25:373-385). This amino acid position is highly conserved in available vertebrate species. In addition, this alteration is predicted to be deleterious by in silico analysis. Based on the available evidence, the clinical significance of this variant remains unclear.

Labcorp Genetics (formerly Invitae), Labcorp
Classification: Uncertain significance for Hypertrophic cardiomyopathy. Last evaluated: 2025-01-22. Review status: criteria provided, single submitter. Criteria: Invitae Variant Classification Sherloc (09022015). Collection method: clinical testing. Allele origin: germline.
Comment: This sequence change replaces leucine, which is neutral and non-polar, with valine, which is neutral and non-polar, at codon 278 of the TPM1 protein (p.Leu278Val). This variant is present in population databases (no rsID available, gnomAD 0.003%). This variant has not been reported in the literature in individuals affected with TPM1-related conditions. ClinVar contains an entry for this variant (Variation ID: 1285082). An algorithm developed to predict the effect of missense changes on protein structure and function (PolyPhen-2) suggests that this variant is likely to be disruptive. In summary, the available evidence is currently insufficient to determine the role of this variant in disease. Therefore, it has been classified as a Variant of Uncertain Significance.

Genome Diagnostics Laboratory, University Medical Center Utrecht
Classification: Uncertain significance. Review status: no assertion criteria provided. Collection method: clinical testing. Allele origin: germline. Affected: yes. Study: VKGL Data-share Consensus. Not counted in ClinVar's aggregate classification.

Joint Genome Diagnostic Labs from Nijmegen and Maastricht, Radboudumc and MUMC+
Classification: Uncertain significance. Review status: no assertion criteria provided. Collection method: clinical testing. Allele origin: germline. Affected: yes. Study: VKGL Data-share Consensus. Not counted in ClinVar's aggregate classification.

Literature cited by the submitters: PubMed 33954932 (cited by Ambry Genetics); PubMed 38874371 (cited by Ambry Genetics).